The following is an entry in ClinVar:

NM_001851.6(COL9A1):c.2485G>A (p.Gly829Ser)

Gene: COL9A1 (collagen type IX alpha 1 chain; minus strand). Cytogenetic location: 6q13.
Variant type: single nucleotide variant.
Coding change: c.2485G>A on transcript NM_001851.6 (MANE Select); coding-DNA position 2485, G replaced by A.
Protein change: p.Gly829Ser; replaces glycine 829 with serine.
Molecular consequence: missense variant. On other transcripts: non-coding transcript variant (1).
Genome position (GRCh38, 1-based): chr6:70,232,601, C>T on the plus strand (G>A on the coding strand, the complement: COL9A1 is on the minus strand). VCF-style: chr6-70232601-C-T. GRCh37 (hg19) VCF-style: chr6-70942304-C-T.
Other names: c.1786G>A, p.Gly596Ser (NM_001377289.1); c.1609G>A, p.Gly537Ser (NM_001377290.1); c.1756G>A, p.Gly586Ser (NM_078485.4); short protein forms G537S, G586S, G596S, G829S.
Identifiers: ClinVar variation 2637336 (VCV002637336.1), dbSNP rs2483175117, ClinGen allele CA364671555.

ClinVar aggregate classification (germline): Uncertain significance (1 of 4 stars; one submission).

Conditions:
COL9A1-related disorder. Also called: COL9A1-related disorders; COL9A1-related condition.

Submission:

PreventionGenetics, part of Exact Sciences
Classification: Uncertain significance for COL9A1-related condition. Last evaluated: 2022-09-15. Review status: criteria provided, single submitter. Criteria: ACMG Guidelines, 2015. Collection method: clinical testing. Allele origin: germline.
Comment: The COL9A1 c.2485G>A variant is predicted to result in the amino acid substitution p.Gly829Ser. To our knowledge, this variant has not been reported in the literature or in a large population database, indicating this variant is rare. At this time, the clinical significance of this variant is uncertain due to the absence of conclusive functional and genetic evidence.